The following is an entry in ClinVar:

NM_005802.5(TOPORS):c.1739G>A (p.Gly580Glu)

Gene: TOPORS (TOP1 binding arginine/serine rich protein, E3 ubiquitin ligase; minus strand). Cytogenetic location: 9p21.1.
Variant type: single nucleotide variant.
Coding change: c.1739G>A on transcript NM_005802.5 (MANE Select); coding-DNA position 1739, G replaced by A.
Protein change: p.Gly580Glu; replaces glycine 580 with glutamic acid.
Molecular consequence: missense variant.
Genome position (GRCh38, 1-based): chr9:32,542,786, C>T on the plus strand (G>A on the coding strand, the complement: TOPORS is on the minus strand). VCF-style: chr9-32542786-C-T. GRCh37 (hg19) VCF-style: chr9-32542784-C-T.
Other names: c.1544G>A, p.Gly515Glu (NM_001195622.2); short protein forms G515E, G580E.
Identifiers: ClinVar variation 2995317 (VCV002995317.3), dbSNP rs2489449986, ClinGen allele CA373168460.

ClinVar aggregate classification (germline): Uncertain significance (1 of 4 stars; one submission).

Allele frequency attached by ClinVar (database versions not stated): gnomAD exomes 0.00001.
gnomAD v4.1: 14 of 1,614,050 alleles (0.00087%); highest among the groups gnomAD compares: African/African-American, 0.0013%; no homozygotes.

Submission:

Labcorp Genetics (formerly Invitae), Labcorp
Classification: Uncertain significance. Last evaluated: 2023-10-08. Review status: criteria provided, single submitter. Criteria: Invitae Variant Classification Sherloc (09022015). Collection method: clinical testing. Allele origin: germline.
Comment: This sequence change replaces glycine, which is neutral and non-polar, with glutamic acid, which is acidic and polar, at codon 580 of the TOPORS protein (p.Gly580Glu). This variant is not present in population databases (gnomAD no frequency). This variant has not been reported in the literature in individuals affected with TOPORS-related conditions. Algorithms developed to predict the effect of missense changes on protein structure and function output the following: SIFT: "Not Available"; PolyPhen-2: "Possibly Damaging"; Align-GVGD: "Not Available". The glutamic acid amino acid residue is found in multiple mammalian species, which suggests that this missense change does not adversely affect protein function. In summary, the available evidence is currently insufficient to determine the role of this variant in disease. Therefore, it has been classified as a Variant of Uncertain Significance.